The following is an entry in ClinVar:

ClinVar aggregate classification (germline): Conflicting classifications of pathogenicity. Review status: criteria provided, conflicting classifications (1 of 4 stars). 3 submissions from 3 submitters: Uncertain significance (2); Likely benign (1). Last evaluated 2025-09-12.

Conditions:
Hereditary cancer-predisposing syndrome. Also called: Tumor predisposition; Neoplastic Syndromes, Hereditary; Hereditary Cancer Syndrome; Hereditary neoplastic syndrome. Identifiers: Orphanet 140162, MedGen C0027672, MeSH D009386, MONDO:0015356.
Neuroblastoma, susceptibility to, 3. Also called: ALK-Related Neuroblastic Tumor Susceptibility. Identifiers: Orphanet 635, MedGen C2751681, MONDO:0013083, OMIM 613014.

Allele frequency attached by ClinVar (database versions not stated): gnomAD exomes 0.00001; ExAC 0.00002; gnomAD 0.00003; TOPMed 0.00003.
gnomAD v4.1: 10 of 1,614,026 alleles (0.00062%); highest among the groups gnomAD compares: African/African-American, 0.012%; no homozygotes.

Submissions (3):

Labcorp Genetics (formerly Invitae), Labcorp
Classification: Uncertain significance for Neuroblastoma, susceptibility to, 3. Last evaluated: 2025-09-12. Review status: criteria provided, single submitter. Criteria: Invitae Variant Classification Sherloc (09022015). Collection method: clinical testing. Allele origin: germline.
Comment: This sequence change replaces asparagine, which is neutral and polar, with lysine, which is basic and polar, at codon 661 of the ALK protein (p.Asn661Lys). This variant is present in population databases (rs758860363, gnomAD 0.02%). This variant has not been reported in the literature in individuals affected with ALK-related conditions. ClinVar contains an entry for this variant (Variation ID: 404386). An algorithm developed to predict the effect of missense changes on protein structure and function outputs the following: PolyPhen-2: "Benign". The lysine amino acid residue is found in multiple mammalian species, which suggests that this missense change does not adversely affect protein function. In summary, the available evidence is currently insufficient to determine the role of this variant in disease. Therefore, it has been classified as a Variant of Uncertain Significance.

Ambry Genetics
Classification: Likely benign for Hereditary cancer-predisposing syndrome. Last evaluated: 2025-02-14. Review status: criteria provided, single submitter. Criteria: Ambry Variant Classification Scheme 2023. Collection method: clinical testing. Allele origin: germline.

Baylor Genetics
Classification: Uncertain significance for Neuroblastoma, susceptibility to, 3. Last evaluated: 2024-02-23. Review status: criteria provided, single submitter. Criteria: ACMG Guidelines, 2015. Collection method: clinical testing. Allele origin: unknown.

NM_004304.5(ALK):c.1983C>A (p.Asn661Lys)

Gene: ALK (ALK receptor tyrosine kinase; minus strand). Cytogenetic location: 2p23.2.
Variant type: single nucleotide variant.
Coding change: c.1983C>A on transcript NM_004304.5 (MANE Select); coding-DNA position 1983, C replaced by A.
Protein change: p.Asn661Lys; replaces asparagine 661 with lysine.
Molecular consequence: missense variant.
Genome position (GRCh38, 1-based): chr2:29,275,157, G>T on the plus strand (C>A on the coding strand, the complement: ALK is on the minus strand). VCF-style: chr2-29275157-G-T. GRCh37 (hg19) VCF-style: chr2-29498023-G-T.
Other names: short protein forms N661K.
Identifiers: ClinVar variation 404386 (VCV000404386.11), dbSNP rs758860363, ClinGen allele CA1594472.